The following is an entry in ClinVar:

NM_001199799.2(ILDR1):c.1138C>T (p.Leu380Phe)

Gene: ILDR1 (immunoglobulin like domain containing receptor 1; minus strand). Cytogenetic location: 3q13.33.
Variant type: single nucleotide variant.
Coding change: c.1138C>T on transcript NM_001199799.2 (MANE Select); coding-DNA position 1138, C replaced by T.
Protein change: p.Leu380Phe; replaces leucine 380 with phenylalanine.
Molecular consequence: missense variant.
Genome position (GRCh38, 1-based): chr3:121,993,611, G>A on the plus strand (C>T on the coding strand, the complement: ILDR1 is on the minus strand). VCF-style: chr3-121993611-G-A. GRCh37 (hg19) VCF-style: chr3-121712458-G-A.
Other names: c.871C>T, p.Leu291Phe (NM_001199800.2); c.1006C>T, p.Leu336Phe (NM_175924.4); short protein forms L291F, L336F, L380F.
Identifiers: ClinVar variation 3528871 (VCV003528871.2).

ClinVar aggregate classification (germline): Uncertain significance. Review status: criteria provided, multiple submitters, no conflicts (2 of 4 stars). 2 submissions from 2 submitters: Uncertain significance (2). Last evaluated 2026-02-12.

Conditions:
ILDR1-related disorder. Also called: ILDR1-related condition.
Inborn genetic diseases. Identifiers: MedGen C0950123, MeSH D030342.

gnomAD v4.1: 126 of 1,614,110 alleles (0.0078%); highest among the groups gnomAD compares: Non-Finnish European, 0.011%; no homozygotes.

Submissions (2):

PreventionGenetics, part of Exact Sciences
Classification: Uncertain significance for ILDR1-related condition. Last evaluated: 2026-02-12. Review status: criteria provided, single submitter. Criteria: ACMG Guidelines, 2015. Collection method: clinical testing. Allele origin: germline.
Comment: The ILDR1 c.1138C>T variant is predicted to result in the amino acid substitution p.Leu380Phe. To our knowledge, this variant has not been reported in the literature. This variant is reported in 0.0035% of alleles in individuals of European (Non-Finnish) descent in gnomAD. At this time, the clinical significance of this variant is uncertain due to the absence of conclusive functional and genetic evidence.

Ambry Genetics
Classification: Uncertain significance for Inborn genetic diseases. Last evaluated: 2024-09-18. Review status: criteria provided, single submitter. Criteria: Ambry Variant Classification Scheme 2023. Collection method: clinical testing. Allele origin: germline.